The following is an entry in ClinVar:

NM_000388.4(CASR):c.1637G>T (p.Cys546Phe)

Gene: CASR (calcium sensing receptor; plus strand). Cytogenetic location: 3q21.1.
Variant type: single nucleotide variant.
Coding change: c.1637G>T on transcript NM_000388.4 (MANE Select); coding-DNA position 1637, G replaced by T.
Protein change: p.Cys546Phe; replaces cysteine 546 with phenylalanine.
Molecular consequence: missense variant.
Genome position (GRCh38, 1-based): chr3:122,282,141, G>T. VCF-style: chr3-122282141-G-T. GRCh37 (hg19) VCF-style: chr3-122000988-G-T.
Other names: c.1667G>T, p.Cys556Phe (NM_001178065.2); c.1637G>T (NM_000388.3); short protein forms C546F, C556F.
Identifiers: ClinVar variation 1486647 (VCV001486647.9), dbSNP rs2107648244, ClinGen allele CA354156172.

ClinVar aggregate classification (germline): Uncertain significance. Review status: criteria provided, multiple submitters, no conflicts (2 of 4 stars). 2 submissions from 2 submitters: Uncertain significance (2). Last evaluated 2024-08-02.

Conditions:
Familial hypocalciuric hypercalcemia (FHH). Also called: Familial benign hypercalcemia. Identifiers: Orphanet 405, MedGen C1809471, MONDO:0018458.
Autosomal dominant hypocalcemia 1 (HYPOC1). Also called: HYPOCALCEMIA, FAMILIAL. Identifiers: MedGen C3715128, MONDO:0011013, OMIM 601198.

Submissions (2):

GeneDx
Classification: Uncertain significance. Last evaluated: 2024-08-02. Review status: criteria provided, single submitter. Criteria: GeneDx Variant Classification Process June 2021. Collection method: clinical testing. Allele origin: germline. Affected: yes.
Comment: Not observed at significant frequency in large population cohorts (gnomAD); In silico analysis supports that this missense variant has a deleterious effect on protein structure/function; Has not been previously published as pathogenic or benign to our knowledge

Labcorp Genetics (formerly Invitae), Labcorp
Classification: Uncertain significance for Familial hypocalciuric hypercalcemia; Autosomal dominant hypocalcemia 1. Last evaluated: 2021-04-11. Review status: criteria provided, single submitter. Criteria: Invitae Variant Classification Sherloc (09022015). Collection method: clinical testing. Allele origin: germline.
Comment: Algorithms developed to predict the effect of missense changes on protein structure and function are either unavailable or do not agree on the potential impact of this missense change (SIFT: "Deleterious"; PolyPhen-2: "Possibly Damaging"; Align-GVGD: "Class C0"). In summary, the available evidence is currently insufficient to determine the role of this variant in disease. Therefore, it has been classified as a Variant of Uncertain Significance. This variant has not been reported in the literature in individuals with CASR-related conditions. This variant is not present in population databases (ExAC no frequency). This sequence change replaces cysteine with phenylalanine at codon 546 of the CASR protein (p.Cys546Phe). The cysteine residue is highly conserved and there is a large physicochemical difference between cysteine and phenylalanine.